The following is an entry in ClinVar:

NM_001267550.2(TTN):c.100958T>C (p.Leu33653Pro)

Genes: TTN (titin; minus strand), TTN-AS1 (TTN antisense RNA 1; plus strand). Cytogenetic location: 2q31.2.
Variant type: single nucleotide variant.
Coding change: c.100958T>C on transcript NM_001267550.2 (MANE Select); coding-DNA position 100958, T replaced by C.
Protein change: p.Leu33653Pro; replaces leucine 33653 with proline.
Molecular consequence: missense variant.
Genome position (GRCh38, 1-based): chr2:178,535,657, A>G on the plus strand (T>C on the coding strand, the complement: TTN is on the minus strand). VCF-style: chr2-178535657-A-G. GRCh37 (hg19) VCF-style: chr2-179400384-A-G.
Other names: c.96035T>C, p.Leu32012Pro (NM_001256850.1); c.73763T>C, p.Leu24588Pro (NM_003319.4); c.93254T>C, p.Leu31085Pro (NM_133378.4); c.74138T>C, p.Leu24713Pro (NM_133432.3); c.74339T>C, p.Leu24780Pro (NM_133437.4); short protein forms L24588P, L31085P, L33653P, L24780P, L24713P, L32012P.
Identifiers: ClinVar variation 1042893 (VCV001042893.7), dbSNP rs1691110010, ClinGen allele CA349422273.

ClinVar aggregate classification (germline): Uncertain significance (1 of 4 stars; one submission).

Conditions:
Dilated cardiomyopathy 1G (CMD1G). Identifiers: Orphanet 154, MedGen C1858763, MONDO:0011400, OMIM 604145.
Autosomal recessive limb-girdle muscular dystrophy type 2J (LGMDR10). Also called: Limb-girdle muscular dystrophy, type 2J; MUSCULAR DYSTROPHY, LIMB-GIRDLE, AUTOSOMAL RECESSIVE 10. Identifiers: Orphanet 140922, MedGen C1837342, MONDO:0012127, OMIM 608807.

Submission:

Labcorp Genetics (formerly Invitae), Labcorp
Classification: Uncertain significance for Dilated cardiomyopathy 1G; Autosomal recessive limb-girdle muscular dystrophy type 2J. Last evaluated: 2020-12-09. Review status: criteria provided, single submitter. Criteria: Invitae Variant Classification Sherloc (09022015). Collection method: clinical testing. Allele origin: germline.
Comment: This sequence change replaces leucine with proline at codon 33653 of the TTN protein (p.Leu33653Pro). There is a moderate physicochemical difference between leucine and proline. In summary, the available evidence is currently insufficient to determine the role of this variant in disease. Therefore, it has been classified as a Variant of Uncertain Significance. Algorithms developed to predict the effect of missense changes on protein structure and function are unavailable for the TTN gene. This variant is located in the M band of TTN (PMID: 25589632). Variants in this region may be relevant for neuromuscular disorders, but have not been definitively shown to cause cardiomyopathy (PMID: 23975875). This variant has not been reported in the literature in individuals with TTN-related conditions. This variant is not present in population databases (ExAC no frequency).

Literature cited by the submitters: PubMed 25589632; PubMed 23975875.